The following is an entry in ClinVar:

ClinVar aggregate classification (germline): Conflicting classifications of pathogenicity. Review status: criteria provided, conflicting classifications (1 of 4 stars). 7 submissions from 7 submitters: Uncertain significance (4); Likely benign (2). 1 of the submissions does not count toward it. Last evaluated 2026-01-19.

Conditions:
TFR2-related disorder. Also called: TFR2-related condition.
Hereditary hemochromatosis (HFE). Identifiers: MedGen C0392514, MONDO:0006507. Disease mechanism: loss of function.
Hemochromatosis type 3 (HFE3). Also called: HEMOCHROMATOSIS DUE TO DEFECT IN TRANSFERRIN RECEPTOR 2; Hereditary hemochromatosis type 3; TFR2-Related Hemochromatosis. Identifiers: Orphanet 225123, MedGen C1858664, MONDO:0011417, OMIM 604250.

Allele frequency attached by ClinVar (database versions not stated): gnomAD exomes 0.00070 and 0.00079; ExAC 0.00072; 1000 Genomes Project 30x 0.00078; 1000 Genomes Project 0.00080; ESP Exome Variant Server 0.00092; TOPMed 0.00060; gnomAD 0.00066 and 0.00068.
gnomAD v4.1: 1,255 of 1,613,794 alleles (0.078%); highest among the groups gnomAD compares: Non-Finnish European, 0.083%; 4 homozygotes.

Submissions (7):

Labcorp Genetics (formerly Invitae), Labcorp
Classification: Likely benign for Hereditary hemochromatosis. Last evaluated: 2026-01-19. Review status: criteria provided, single submitter. Criteria: Invitae Variant Classification Sherloc (09022015). Collection method: clinical testing. Allele origin: germline.

PreventionGenetics, part of Exact Sciences
Classification: Likely benign for TFR2-related condition. Last evaluated: 2025-06-20. Review status: criteria provided, single submitter. Criteria: ACMG Guidelines, 2015. Collection method: clinical testing. Allele origin: germline.
Comment: This variant is classified as likely benign based on ACMG/AMP sequence variant interpretation guidelines (Richards et al. 2015 PMID: 25741868, with internal and published modifications).

Blueprint Genetics
Classification: Uncertain significance. Last evaluated: 2024-08-28. Review status: criteria provided, single submitter. Criteria: ACMG Guidelines, 2015. Collection method: clinical testing. Allele origin: germline.

Department of Pathology and Laboratory Medicine, Sinai Health System
Classification: Uncertain significance for Hemochromatosis type 3. Last evaluated: 2022-03-08. Review status: criteria provided, single submitter. Criteria: ACMG Guidelines, 2015. Collection method: research. Allele origin: germline.

Eurofins Ntd Llc (ga)
Classification: Uncertain significance. Last evaluated: 2015-07-10. Review status: criteria provided, single submitter. Criteria: EGL Classification Definitions 2015. Collection method: clinical testing. Allele origin: germline. Observed: 3 variant alleles, 3 heterozygotes.

Breakthrough Genomics
Classification: Uncertain significance. Review status: criteria provided, single submitter. Criteria: ACMG Guidelines, 2015. Collection method: not provided. Allele origin: germline. Inheritance: Autosomal recessive inheritance. Affected: yes.

GeneReviews
No classification provided. Condition: Hemochromatosis type 3. Review status: no classification provided. Collection method: literature only. Allele origin: unknown. Not counted in ClinVar's aggregate classification.

Literature cited by the submitters: PubMed 17562347 (cited by GeneReviews); PubMed 20301523 (cited by GeneReviews); NCBI Bookshelf NBK1349 (cited by GeneReviews).

NM_003227.4(TFR2):c.1403G>A (p.Arg468His)

Gene: TFR2 (transferrin receptor 2; minus strand). Cytogenetic location: 7q22.1.
Variant type: single nucleotide variant.
Coding change: c.1403G>A on transcript NM_003227.4 (MANE Select); coding-DNA position 1403, G replaced by A.
Protein change: p.Arg468His; replaces arginine 468 with histidine.
Molecular consequence: missense variant.
Genome position (GRCh38, 1-based): chr7:100,628,294, C>T on the plus strand (G>A on the coding strand, the complement: TFR2 is on the minus strand). VCF-style: chr7-100628294-C-T. GRCh37 (hg19) VCF-style: chr7-100225917-C-T.
Other names: c.890G>A, p.Arg297His (NM_001206855.3); short protein forms R468H, R297H.
Identifiers: ClinVar variation 21365 (VCV000021365.16), dbSNP rs80338885, ClinGen allele CA339743.